The following is an entry in ClinVar:

ClinVar aggregate classification (germline): Uncertain significance (1 of 4 stars; one submission).

Conditions:
Charcot-Marie-Tooth disease dominant intermediate E. Also called: CHARCOT-MARIE-TOOTH NEUROPATHY WITH FOCAL SEGMENTAL GLOMERULONEPHRITIS. Identifiers: Orphanet 93114, MedGen C4302667, MONDO:0013758, OMIM 614455.
Focal segmental glomerulosclerosis 5 (FSGS5). Identifiers: Orphanet 656, MedGen C2750475, MONDO:0013191, OMIM 613237.

Submission:

Labcorp Genetics (formerly Invitae), Labcorp
Classification: Uncertain significance for Charcot-Marie-Tooth disease dominant intermediate E; Focal segmental glomerulosclerosis 5. Last evaluated: 2023-08-01. Review status: criteria provided, single submitter. Criteria: Invitae Variant Classification Sherloc (09022015). Collection method: clinical testing. Allele origin: germline.
Comment: This variant is not present in population databases (gnomAD no frequency). This variant has not been reported in the literature in individuals affected with INF2-related conditions. Advanced modeling of protein sequence and biophysical properties (such as structural, functional, and spatial information, amino acid conservation, physicochemical variation, residue mobility, and thermodynamic stability) performed at Invitae indicates that this missense variant is not expected to disrupt INF2 protein function. In summary, the available evidence is currently insufficient to determine the role of this variant in disease. Therefore, it has been classified as a Variant of Uncertain Significance. This sequence change replaces glutamine, which is neutral and polar, with histidine, which is basic and polar, at codon 1058 of the INF2 protein (p.Gln1058His).

NM_022489.4(INF2):c.3174G>C (p.Gln1058His)

Gene: INF2 (inverted formin 2; plus strand). Cytogenetic location: 14q32.33.
Variant type: single nucleotide variant.
Coding change: c.3174G>C on transcript NM_022489.4 (MANE Select); coding-DNA position 3174, G replaced by C.
Protein change: p.Gln1058His; replaces glutamine 1058 with histidine.
Molecular consequence: missense variant.
Genome position (GRCh38, 1-based): chr14:104,714,336, G>C. VCF-style: chr14-104714336-G-C. GRCh37 (hg19) VCF-style: chr14-105180673-G-C.
Other names: c.3174G>C, p.Gln1058His (NM_001031714.4, NM_001426862.1, NM_001426863.1 and 2 more transcripts); short protein forms Q1058H.
Identifiers: ClinVar variation 2950533 (VCV002950533.3), dbSNP rs1890193361, ClinGen allele CA391223684.